The following is an entry in ClinVar:

ClinVar aggregate classification (germline): Likely pathogenic (1 of 4 stars; one submission).

Conditions:
Deficiency of alpha-mannosidase (MANSA). Also called: Mannosidosis, alpha-, types I and II; Alpha-Mannosidosis; LYSOSOMAL ALPHA-D-MANNOSIDASE DEFICIENCY. Identifiers: Orphanet 61, MedGen C0024748, MONDO:0009561, OMIM 248500.

Submission:

Myriad Genetics, Inc.
Classification: Likely pathogenic for Deficiency of alpha-mannosidase. Last evaluated: 2019-05-02. Review status: criteria provided, single submitter. Criteria: Myriad Women's Health Autosomal Recessive and X-Linked Classification Criteria (2019). Collection method: clinical testing. Allele origin: unknown.
Comment: NM_000528.3(MAN2B1):c.2044A>T(K682*) is expected to be pathogenic in the context of alpha-mannosidosis. This variant is predicted to lead to an abnormal or absent protein product due to the creation of a premature termination codon in MAN2B1, a gene where loss-of-function variants are known to be pathogenic. Please note: this variant was assessed in the context of healthy population screening.

NM_000528.4(MAN2B1):c.2044A>T (p.Lys682Ter)

Gene: MAN2B1 (mannosidase alpha class 2B member 1; minus strand). Cytogenetic location: 19p13.13.
Variant type: single nucleotide variant.
Coding change: c.2044A>T on transcript NM_000528.4 (MANE Select); coding-DNA position 2044, A replaced by T.
Protein change: p.Lys682Ter; replaces lysine 682 with a stop codon.
Molecular consequence: nonsense.
Genome position (GRCh38, 1-based): chr19:12,652,155, T>A on the plus strand (A>T on the coding strand, the complement: MAN2B1 is on the minus strand). VCF-style: chr19-12652155-T-A. GRCh37 (hg19) VCF-style: chr19-12762969-T-A.
Other names: c.2041A>T, p.Lys681Ter (NM_001173498.2); short protein forms K681*, K682*.
Identifiers: ClinVar variation 984116 (VCV000984116.3), dbSNP rs2023851530, ClinGen allele CA404243882.
Genomic context (GRCh38, chr19:12,652,155, plus strand): 5'-CTTGGGCTCCATAACTTCCCCATTCCCAACTGCCCACTCATCATTCCTAGTCCCTGACCT[T>A]CACCAGGTGGATCTGAGCCCAGCGGCTCACAGGCAGCGGTTTCTGTTGGTTGGGTCTGAA-3'